The following is an entry in ClinVar:

ClinVar aggregate classification (germline): Benign/Likely benign. Review status: criteria provided, multiple submitters, no conflicts (2 of 4 stars). 2 submissions from 2 submitters: Benign (1); Likely benign (1). Last evaluated 2024-02-14.

Submissions (2):

Labcorp Genetics (formerly Invitae), Labcorp
Classification: Benign. Last evaluated: 2024-02-14. Review status: criteria provided, single submitter. Criteria: Invitae Variant Classification Sherloc (09022015). Collection method: clinical testing. Allele origin: germline.

GeneDx
Classification: Likely benign. Last evaluated: 2016-01-22. Review status: criteria provided, single submitter. Criteria: GeneDx Variant Classification (06012015). Collection method: clinical testing. Allele origin: germline. Affected: yes.
Comment: This variant is considered likely benign or benign based on one or more of the following criteria: it is a conservative change, it occurs at a poorly conserved position in the protein, it is predicted to be benign by multiple in silico algorithms, and/or has population frequency not consistent with disease.

NM_001194998.2(CEP152):c.88-11dup

Gene: CEP152 (centrosomal protein 152; minus strand). Cytogenetic location: 15q21.1.
Variant type: Duplication.
Coding change: c.88-11dup on transcript NM_001194998.2 (MANE Select); 11 bases into the intron before coding-DNA position 88, one base duplicated (T; older notation c.88-11dupT).
Molecular consequence: intron variant.
Genome position (GRCh38, 1-based): chr15:48,798,059, A duplicated on the plus strand (T on the coding strand, the reverse complement: CEP152 is on the minus strand); the first of 4 consecutive A bases (chr15:48,798,059-48,798,062); duplicating any one gives the same sequence. VCF-style (leftmost placement, unchanged base first): chr15-48798058-C-CA. GRCh37 (hg19) VCF-style: chr15-49090255-C-CA.
Other names: c.88-11dup (NM_014985.4); c.88-8dupT (NM_014985.3).
Identifiers: ClinVar variation 420382 (VCV000420382.4), dbSNP rs1555427904, ClinGen allele CA16619981.